The following is an entry in ClinVar:

ClinVar aggregate classification (germline): Uncertain significance. Review status: criteria provided, multiple submitters, no conflicts (2 of 4 stars). 2 submissions from 2 submitters: Uncertain significance (2). Last evaluated 2025-02-16.

Conditions:
Inborn genetic diseases. Identifiers: MedGen C0950123, MeSH D030342.

Allele frequency attached by ClinVar (database versions not stated): TOPMed below 0.00001; ExAC 0.00002; gnomAD 0.00002; 1000 Genomes Project 30x 0.00031; 1000 Genomes Project 0.00040.
gnomAD v4.1: 6 of 1,613,466 alleles (0.00037%); highest among the groups gnomAD compares: African/African-American, 0.008%; no homozygotes.

Submissions (2):

Ambry Genetics
Classification: Uncertain significance for Inborn genetic diseases. Last evaluated: 2025-02-16. Review status: criteria provided, single submitter. Criteria: Ambry Variant Classification Scheme 2023. Collection method: clinical testing. Allele origin: germline.
Comment: The p.F321L variant (also known as c.963C>G), located in coding exon 1 of the SAMD9 gene, results from a C to G substitution at nucleotide position 963. The phenylalanine at codon 321 is replaced by leucine, an amino acid with highly similar properties. This amino acid position is conserved. In addition, this alteration is predicted to be tolerated by in silico analysis. Based on the available evidence, the clinical significance of this variant remains unclear.

Labcorp Genetics (formerly Invitae), Labcorp
Classification: Uncertain significance. Last evaluated: 2023-10-25. Review status: criteria provided, single submitter. Criteria: Invitae Variant Classification Sherloc (09022015). Collection method: clinical testing. Allele origin: germline.
Comment: This sequence change replaces phenylalanine, which is neutral and non-polar, with leucine, which is neutral and non-polar, at codon 321 of the SAMD9 protein (p.Phe321Leu). This variant is present in population databases (rs528938533, gnomAD 0.02%). This variant has not been reported in the literature in individuals affected with SAMD9-related conditions. Advanced modeling of protein sequence and biophysical properties (such as structural, functional, and spatial information, amino acid conservation, physicochemical variation, residue mobility, and thermodynamic stability) has been performed at Invitae for this missense variant, however the output from this modeling did not meet the statistical confidence thresholds required to predict the impact of this variant on SAMD9 protein function. In summary, the available evidence is currently insufficient to determine the role of this variant in disease. Therefore, it has been classified as a Variant of Uncertain Significance.

NM_017654.4(SAMD9):c.963C>G (p.Phe321Leu)

Gene: SAMD9 (sterile alpha motif domain containing 9; minus strand). Cytogenetic location: 7q21.2.
Variant type: single nucleotide variant.
Coding change: c.963C>G on transcript NM_017654.4 (MANE Select); coding-DNA position 963, C replaced by G.
Protein change: p.Phe321Leu; replaces phenylalanine 321 with leucine.
Molecular consequence: missense variant.
Genome position (GRCh38, 1-based): chr7:93,105,135, G>C on the plus strand (C>G on the coding strand, the complement: SAMD9 is on the minus strand). VCF-style: chr7-93105135-G-C. GRCh37 (hg19) VCF-style: chr7-92734448-G-C.
Other names: c.963C>G (NM_017654.3); c.963C>G, p.Phe321Leu (NM_001193307.2); short protein forms F321L.
Identifiers: ClinVar variation 2807027 (VCV002807027.4), dbSNP rs528938533, ClinGen allele CA4343054.